The following is an entry in ClinVar:

ClinVar aggregate classification (germline): Uncertain significance (1 of 4 stars; one submission).

Conditions:
Koolen-de Vries syndrome (KDVS). Identifiers: Orphanet 96169, MedGen C1864871, MONDO:0012496, OMIM 610443.

gnomAD v4.1: 1 of 1,614,150 alleles (0.000062%); highest among the groups gnomAD compares: Non-Finnish European, 0.000085%; no homozygotes.

Submission:

Labcorp Genetics (formerly Invitae), Labcorp
Classification: Uncertain significance for Koolen-de Vries syndrome. Last evaluated: 2019-11-08. Review status: criteria provided, single submitter. Criteria: Invitae Variant Classification Sherloc (09022015). Collection method: clinical testing. Allele origin: germline.
Comment: This variant is not present in population databases (ExAC no frequency). In summary, the available evidence is currently insufficient to determine the role of this variant in disease. Therefore, it has been classified as a Variant of Uncertain Significance. Algorithms developed to predict the effect of missense changes on protein structure and function (SIFT, PolyPhen-2, Align-GVGD) all suggest that this variant is likely to be tolerated, but these predictions have not been confirmed by published functional studies and their clinical significance is uncertain. This variant has not been reported in the literature in individuals with KANSL1-related conditions. This sequence change replaces asparagine with serine at codon 226 of the KANSL1 protein (p.Asn226Ser). The asparagine residue is highly conserved and there is a small physicochemical difference between asparagine and serine.

NM_015443.4(KANSL1):c.677A>G (p.Asn226Ser)

Gene: KANSL1 (KAT8 regulatory NSL complex subunit 1). Cytogenetic location: 17q21.31.
Variant type: single nucleotide variant.
Coding change: c.677A>G on transcript NM_015443.4 (MANE Select); coding-DNA position 677, A replaced by G.
Protein change: p.Asn226Ser; replaces asparagine 226 with serine.
Molecular consequence: missense variant.
Genome position (GRCh38, 1-based): chr17:46,171,467, T>C on the plus strand (A>G on the coding strand, the complement: KANSL1 is on the minus strand). VCF-style: chr17-46171467-T-C. GRCh37 (hg19) VCF-style: chr17-44248833-T-C.
Other names: c.677A>G, p.Asn226Ser (NM_001193465.2, NM_001193466.2, NM_001379198.1); short protein forms N226S.
Identifiers: ClinVar variation 958322 (VCV000958322.9), dbSNP rs1428454868, ClinGen allele CA399981203.